The following is an entry in ClinVar:

ClinVar aggregate classification (germline): Pathogenic (1 of 4 stars; one submission).

Submission:

Labcorp Genetics (formerly Invitae), Labcorp
Classification: Pathogenic. Last evaluated: 2022-12-16. Review status: criteria provided, single submitter. Criteria: Invitae Variant Classification Sherloc (09022015). Collection method: clinical testing. Allele origin: germline.
Comment: For these reasons, this variant has been classified as Pathogenic. This variant disrupts a region of the COL2A1 protein in which other variant(s) (p.Lys1444Asnfs*27) have been determined to be pathogenic (PMID: 23545312). This suggests that this is a clinically significant region of the protein, and that variants that disrupt it are likely to be disease-causing. This variant has not been reported in the literature in individuals affected with COL2A1-related conditions. This variant is not present in population databases (gnomAD no frequency). This sequence change creates a premature translational stop signal (p.His1441Glnfs*5) in the COL2A1 gene. While this is not anticipated to result in nonsense mediated decay, it is expected to disrupt the last 47 amino acid(s) of the COL2A1 protein.

Literature cited by the submitters: PubMed 23545312.

NM_001844.5(COL2A1):c.4319_4322dup (p.His1441fs)

Gene: COL2A1 (collagen type II alpha 1 chain; minus strand). Cytogenetic location: 12q13.11.
Variant type: Duplication.
Coding change: c.4319_4322dup on transcript NM_001844.5 (MANE Select); coding-DNA positions 4319 to 4322, 4 bases duplicated (AACA; older notation c.4319_4322dupAACA).
Protein change: p.His1441fs; shifts the reading frame from histidine 1441.
Molecular consequence: frameshift variant.
Genome position (GRCh38, 1-based): chr12:47,973,549-47,973,552, TGTT duplicated on the plus strand (AACA on the coding strand, the reverse complement: COL2A1 is on the minus strand); duplicating any 4 consecutive bases within chr12:47,973,549-47,973,553 gives the same sequence; the c. name uses the placement nearest the transcript's 3' end. VCF-style (leftmost placement, unchanged base first): chr12-47973548-A-ATGTT. GRCh37 (hg19) VCF-style: chr12-48367331-A-ATGTT.
Other names: c.4112_4115dup, p.His1372fs (NM_033150.3); short protein forms H1441fs, H1372fs.
Identifiers: ClinVar variation 2821241 (VCV002821241.3), dbSNP rs2540091768, ClinGen allele CA2739271938.